The following is an entry in ClinVar:

NM_006648.4(WNK2):c.2177C>T (p.Pro726Leu)

Gene: WNK2 (WNK lysine deficient protein kinase 2; plus strand). Cytogenetic location: 9q22.31.
Variant type: single nucleotide variant.
Coding change: c.2177C>T on transcript NM_006648.4 (MANE Select); coding-DNA position 2177, C replaced by T.
Protein change: p.Pro726Leu; replaces proline 726 with leucine.
Molecular consequence: missense variant.
Genome position (GRCh38, 1-based): chr9:93,256,441, C>T. VCF-style: chr9-93256441-C-T. GRCh37 (hg19) VCF-style: chr9-96018723-C-T.
Other names: c.2177C>T, p.Pro726Leu (NM_001282394.3); short protein forms P726L.
Identifiers: ClinVar variation 4201669 (VCV004201669.1).

ClinVar aggregate classification (germline): Uncertain significance (1 of 4 stars; one submission).

gnomAD v4.1: 3 of 1,528,806 alleles (0.0002%); highest among the groups gnomAD compares: Non-Finnish European, 0.00026%; no homozygotes.

Submission:

Ambry Genetics
Classification: Uncertain significance. Last evaluated: 2025-07-28. Review status: criteria provided, single submitter. Criteria: Ambry Variant Classification Scheme 2023. Collection method: clinical testing. Allele origin: germline.
Comment: The p.P726L variant (also known as c.2177C>T), located in coding exon 9 of the WNK2 gene, results from a C to T substitution at nucleotide position 2177. The proline at codon 726 is replaced by leucine, an amino acid with similar properties. This amino acid position is conserved. In addition, this alteration is predicted to be tolerated by in silico analysis. Based on the available evidence, the clinical significance of this variant remains unclear.